The following is an entry in ClinVar:

NM_032444.4(SLX4):c.4607C>T (p.Ala1536Val)

Gene: SLX4 (SLX4 structure-specific endonuclease subunit; minus strand). Cytogenetic location: 16p13.3.
Variant type: single nucleotide variant.
Coding change: c.4607C>T on transcript NM_032444.4 (MANE Select); coding-DNA position 4607, C replaced by T.
Protein change: p.Ala1536Val; replaces alanine 1536 with valine.
Molecular consequence: missense variant.
Genome position (GRCh38, 1-based): chr16:3,589,031, G>A on the plus strand (C>T on the coding strand, the complement: SLX4 is on the minus strand). VCF-style: chr16-3589031-G-A. GRCh37 (hg19) VCF-style: chr16-3639032-G-A.
Other names: c.4607C>T (NM_032444.2); short protein forms A1536V.
Identifiers: ClinVar variation 1441332 (VCV001441332.6), dbSNP rs759939338, ClinGen allele CA7865586.

ClinVar aggregate classification (germline): Uncertain significance. Review status: criteria provided, multiple submitters, no conflicts (2 of 4 stars). 4 submissions from 4 submitters: Uncertain significance (4). Last evaluated 2024-05-13.

Conditions:
Inborn genetic diseases. Identifiers: MedGen C0950123, MeSH D030342.
Fanconi anemia complementation group P. Also called: SLX4-Related Fanconi Anemia. Identifiers: Orphanet 84, MedGen C3469542, MONDO:0013499, OMIM 613951.
Fanconi anemia (FA). Also called: Fanconi's anemia. Identifiers: Orphanet 84, MedGen C0015625, MeSH D005199, MONDO:0019391.

Allele frequency attached by ClinVar (database versions not stated): gnomAD 0.00001; TOPMed 0.00001; ExAC 0.00002; gnomAD exomes 0.00002 and 0.00003.
gnomAD v4.1: 12 of 1,614,022 alleles (0.00074%); highest among the groups gnomAD compares: Admixed American, 0.02%; no homozygotes.

Submissions (4):

Fulgent Genetics
Classification: Uncertain significance for Fanconi anemia complementation group P. Last evaluated: 2024-05-13. Review status: criteria provided, single submitter. Criteria: ACMG Guidelines, 2015. Collection method: clinical testing. Allele origin: germline.

Ambry Genetics
Classification: Uncertain significance for Inborn genetic diseases. Last evaluated: 2023-12-20. Review status: criteria provided, single submitter. Criteria: Ambry Variant Classification Scheme 2023. Collection method: clinical testing. Allele origin: germline.

Labcorp Genetics (formerly Invitae), Labcorp
Classification: Uncertain significance for Fanconi anemia. Last evaluated: 2022-08-22. Review status: criteria provided, single submitter. Criteria: Invitae Variant Classification Sherloc (09022015). Collection method: clinical testing. Allele origin: germline.
Comment: This sequence change replaces alanine, which is neutral and non-polar, with valine, which is neutral and non-polar, at codon 1536 of the SLX4 protein (p.Ala1536Val). This variant is present in population databases (rs759939338, gnomAD 0.02%). This variant has not been reported in the literature in individuals affected with SLX4-related conditions. ClinVar contains an entry for this variant (Variation ID: 1441332). Algorithms developed to predict the effect of missense changes on protein structure and function (SIFT, PolyPhen-2, Align-GVGD) all suggest that this variant is likely to be tolerated. In summary, the available evidence is currently insufficient to determine the role of this variant in disease. Therefore, it has been classified as a Variant of Uncertain Significance.

Blueprint Genetics
Classification: Uncertain significance. Last evaluated: 2020-02-21. Review status: criteria provided, single submitter. Criteria: ACMG Guidelines, 2015. Collection method: clinical testing. Allele origin: germline.